The following is an entry in ClinVar:

ClinVar aggregate classification (germline): Conflicting classifications of pathogenicity. Review status: criteria provided, conflicting classifications (1 of 4 stars). 2 submissions from 2 submitters: Uncertain significance (1); Likely benign (1). Last evaluated 2024-09-19.

Conditions:
Familial melanoma. Also called: Hereditary melanoma; Hereditary cutaneous melanoma. Identifiers: Orphanet 618, MedGen C1512419, MONDO:0018961.
Hereditary cancer-predisposing syndrome. Also called: Tumor predisposition; Neoplastic Syndromes, Hereditary; Hereditary neoplastic syndrome; Hereditary Cancer Syndrome. Identifiers: Orphanet 140162, MedGen C0027672, MeSH D009386, MONDO:0015356.

gnomAD v4.1: 2 of 1,606,008 alleles (0.00012%); highest among the groups gnomAD compares: Non-Finnish European, 0.00017%; no homozygotes.

Submissions (2):

Color Diagnostics, LLC DBA Color Health
Classification: Likely benign for Hereditary cancer-predisposing syndrome. Last evaluated: 2024-09-19. Review status: criteria provided, single submitter. Criteria: ACMG Guidelines, 2015. Collection method: clinical testing. Allele origin: germline.

Labcorp Genetics (formerly Invitae), Labcorp
Classification: Uncertain significance for Familial melanoma. Last evaluated: 2024-02-06. Review status: criteria provided, single submitter. Criteria: Invitae Variant Classification Sherloc (09022015). Collection method: clinical testing. Allele origin: germline.
Comment: This sequence change replaces threonine, which is neutral and polar, with alanine, which is neutral and non-polar, at codon 18 of the CDKN2A (p16INK4a) protein (p.Thr18Ala). The frequency data for this variant in the population databases is considered unreliable, as metrics indicate poor data quality at this position in the gnomAD database. This variant has not been reported in the literature in individuals affected with CDKN2A (p16INK4a)-related conditions. ClinVar contains an entry for this variant (Variation ID: 920669). Algorithms developed to predict the effect of missense changes on protein structure and function output the following: SIFT: "Not Available"; PolyPhen-2: "Benign"; Align-GVGD: "Not Available". The alanine amino acid residue is found in multiple mammalian species, which suggests that this missense change does not adversely affect protein function. Experimental studies are conflicting or provide insufficient evidence to determine the effect of this variant on CDKN2A (p16INK4a) function (PMID: 8573142). In summary, the available evidence is currently insufficient to determine the role of this variant in disease. Therefore, it has been classified as a Variant of Uncertain Significance.

Literature cited by the submitters: PubMed 8573142 (cited by Labcorp Genetics (formerly Invitae), Labcorp).

NM_000077.5(CDKN2A):c.52A>G (p.Thr18Ala)

Gene: CDKN2A (cyclin dependent kinase inhibitor 2A; minus strand). Cytogenetic location: 9p21.3.
Variant type: single nucleotide variant.
Coding change: c.52A>G on transcript NM_000077.5; coding-DNA position 52, A replaced by G.
Protein change: p.Thr18Ala; replaces threonine 18 with alanine.
Molecular consequence: missense variant (on NM_000077.6). On other transcripts: intron variant (2).
Genome position (GRCh38, 1-based): chr9:21,974,776, T>C on the plus strand (A>G on the coding strand, the complement: CDKN2A is on the minus strand). VCF-style: chr9-21974776-T-C. GRCh37 (hg19) VCF-style: chr9-21974775-T-C.
Other names: c.52A>G, p.Thr18Ala (NM_000077.6, NM_001195132.2, NM_058197.5); c.-3-3568A>G (NM_001363763.2); c.194-3568A>G (NM_058195.4); short protein forms T18A.
Identifiers: ClinVar variation 920669 (VCV000920669.12), dbSNP rs758455611, ClinGen allele CA373086646.